The following is an entry in ClinVar:

NM_014141.6(CNTNAP2):c.*1187G>A

Gene: CNTNAP2 (contactin associated protein 2; plus strand). Cytogenetic location: 7q36.1.
Variant type: single nucleotide variant.
Coding change: c.*1187G>A on transcript NM_014141.6 (MANE Select); 1187 bases downstream of the stop codon, G replaced by A.
Molecular consequence: 3 prime UTR variant.
Genome position (GRCh38, 1-based): chr7:148,416,803, G>A. VCF-style: chr7-148416803-G-A. GRCh37 (hg19) VCF-style: chr7-148113895-G-A.
Identifiers: ClinVar variation 359215 (VCV000359215.7), dbSNP rs2530312, ClinGen allele CA10628475.

ClinVar aggregate classification (germline): Benign. Review status: criteria provided, multiple submitters, no conflicts (2 of 4 stars). 2 submissions from 2 submitters: Benign (2). Last evaluated 2018-01-13.

Conditions:
Cortical dysplasia-focal epilepsy syndrome (PTHSL1). Also called: Pitt-Hopkins-like syndrome 1. Identifiers: Orphanet 163681, Orphanet 221150, MedGen C2750246, MONDO:0012400, OMIM 610042.

Allele frequency attached by ClinVar (database versions not stated): gnomAD exomes 0.33721; gnomAD 0.33729 and 0.34535; TOPMed 0.36173; 1000 Genomes Project 30x 0.37039; 1000 Genomes Project 0.37460.
gnomAD v4.1: 52,968 of 152,602 alleles (35%); highest among the groups gnomAD compares: East Asian, 63%; 11,114 homozygotes.

Submissions (2):

Illumina Laboratory Services, Illumina
Classification: Benign for Cortical dysplasia-focal epilepsy syndrome. Last evaluated: 2018-01-13. Review status: criteria provided, single submitter. Criteria: ICSL Variant Classification Criteria 13 December 2019. Collection method: clinical testing. Allele origin: germline.
Comment: This variant was observed in the ICSL laboratory as part of a predisposition screen in an ostensibly healthy population. It had not been previously curated by ICSL or reported in the Human Gene Mutation Database (HGMD: prior to June 1st, 2018), and was therefore a candidate for classification through an automated scoring system. Utilizing variant allele frequency, disease prevalence and penetrance estimates, and inheritance mode, an automated score was calculated to assess if this variant is too frequent to cause the disease. Based on the score and internal cut-off values, a variant classified as benign is not then subjected to further curation. The score for this variant resulted in a classification of benign for this disease.

Breakthrough Genomics
Classification: Benign. Review status: criteria provided, single submitter. Criteria: ACMG Guidelines, 2015. Collection method: not provided. Allele origin: germline. Inheritance: Autosomal recessive inheritance. Affected: yes.